The following is an entry in ClinVar:

ClinVar aggregate classification (germline): Uncertain significance (1 of 4 stars; one submission).

Conditions:
Norman-Roberts syndrome (LIS2). Also called: Lissencephaly 2 (Norman-Roberts type). Identifiers: Orphanet 89844, MedGen C0796089, MONDO:0009760, OMIM 257320.
Familial temporal lobe epilepsy 7. Identifiers: Orphanet 101046, MedGen C4225327, MONDO:0014639, OMIM 616436.

Allele frequency attached by ClinVar (database versions not stated): TOPMed below 0.00001.
gnomAD v4.1: 2 of 1,614,034 alleles (0.00012%); no homozygotes.

Submission:

Labcorp Genetics (formerly Invitae), Labcorp
Classification: Uncertain significance for Familial temporal lobe epilepsy 7; Norman-Roberts syndrome. Last evaluated: 2023-07-31. Review status: criteria provided, single submitter. Criteria: Invitae Variant Classification Sherloc (09022015). Collection method: clinical testing. Allele origin: germline.
Comment: This sequence change replaces serine, which is neutral and polar, with tyrosine, which is neutral and polar, at codon 2007 of the RELN protein (p.Ser2007Tyr). This variant is not present in population databases (gnomAD no frequency). This variant has not been reported in the literature in individuals affected with RELN-related conditions. ClinVar contains an entry for this variant (Variation ID: 835835). Advanced modeling of protein sequence and biophysical properties (such as structural, functional, and spatial information, amino acid conservation, physicochemical variation, residue mobility, and thermodynamic stability) performed at Invitae indicates that this missense variant is not expected to disrupt RELN protein function. In summary, the available evidence is currently insufficient to determine the role of this variant in disease. Therefore, it has been classified as a Variant of Uncertain Significance.

NM_005045.4(RELN):c.6020C>A (p.Ser2007Tyr)

Gene: RELN (reelin; minus strand). Cytogenetic location: 7q22.1.
Variant type: single nucleotide variant.
Coding change: c.6020C>A on transcript NM_005045.4 (MANE Select); coding-DNA position 6020, C replaced by A.
Protein change: p.Ser2007Tyr; replaces serine 2007 with tyrosine.
Molecular consequence: missense variant.
Genome position (GRCh38, 1-based): chr7:103,553,513, G>T on the plus strand (C>A on the coding strand, the complement: RELN is on the minus strand). VCF-style: chr7-103553513-G-T. GRCh37 (hg19) VCF-style: chr7-103193960-G-T.
Other names: c.6020C>A, p.Ser2007Tyr (NM_173054.3); short protein forms S2007Y.
Identifiers: ClinVar variation 835835 (VCV000835835.4), dbSNP rs1830456753, ClinGen allele CA368739453.